The following is an entry in ClinVar:

ClinVar aggregate classification (germline): Uncertain significance (1 of 4 stars; one submission).

Submission:

Ambry Genetics
Classification: Uncertain significance. Last evaluated: 2025-06-09. Review status: criteria provided, single submitter. Criteria: Ambry Variant Classification Scheme 2023. Collection method: clinical testing. Allele origin: germline.
Comment: The p.K315N variant (also known as c.945G>T), located in coding exon 5 of the GFI1 gene, results from a G to T substitution at nucleotide position 945. The lysine at codon 315 is replaced by asparagine, an amino acid with similar properties. This amino acid position is conserved. In addition, this alteration is predicted to be tolerated by in silico analysis. Based on the available evidence, the clinical significance of this variant remains unclear.

NM_005263.5(GFI1):c.945G>T (p.Lys315Asn)

Gene: GFI1 (growth factor independent 1 transcriptional repressor; minus strand). Cytogenetic location: 1p22.1.
Variant type: single nucleotide variant.
Coding change: c.945G>T on transcript NM_005263.5 (MANE Select); coding-DNA position 945, G replaced by T.
Protein change: p.Lys315Asn; replaces lysine 315 with asparagine.
Molecular consequence: missense variant.
Genome position (GRCh38, 1-based): chr1:92,478,733, C>A on the plus strand (G>T on the coding strand, the complement: GFI1 is on the minus strand). VCF-style: chr1-92478733-C-A. GRCh37 (hg19) VCF-style: chr1-92944290-C-A.
Other names: c.945G>T, p.Lys315Asn (NM_001127215.3, NM_001127216.3); short protein forms K315N.
Identifiers: ClinVar variation 4029453 (VCV004029453.1).